The following is an entry in ClinVar:

ClinVar aggregate classification (germline): Uncertain significance (1 of 4 stars; one submission).

Conditions:
Hereditary cancer-predisposing syndrome. Also called: Tumor predisposition; Neoplastic Syndromes, Hereditary; Hereditary neoplastic syndrome; Hereditary Cancer Syndrome. Identifiers: Orphanet 140162, MedGen C0027672, MeSH D009386, MONDO:0015356.

Submission:

Ambry Genetics
Classification: Uncertain significance for Hereditary cancer-predisposing syndrome. Last evaluated: 2024-10-30. Review status: criteria provided, single submitter. Criteria: Ambry Variant Classification Scheme 2023. Collection method: clinical testing. Allele origin: germline.
Comment: The p.L143P variant (also known as c.428T>C), located in coding exon 3 of the XRCC2 gene, results from a T to C substitution at nucleotide position 428. The leucine at codon 143 is replaced by proline, an amino acid with similar properties. This amino acid position is conserved. In addition, this alteration is predicted to be tolerated by in silico analysis. Based on the available evidence, the clinical significance of this variant remains unclear.

NM_005431.2(XRCC2):c.428T>C (p.Leu143Pro)

Gene: XRCC2 (X-ray repair cross complementing 2; minus strand). Cytogenetic location: 7q36.1.
Variant type: single nucleotide variant.
Coding change: c.428T>C on transcript NM_005431.2 (MANE Select); coding-DNA position 428, T replaced by C.
Protein change: p.Leu143Pro; replaces leucine 143 with proline.
Molecular consequence: missense variant.
Genome position (GRCh38, 1-based): chr7:152,649,057, A>G on the plus strand (T>C on the coding strand, the complement: XRCC2 is on the minus strand). VCF-style: chr7-152649057-A-G. GRCh37 (hg19) VCF-style: chr7-152346142-A-G.
Other names: short protein forms L143P.
Identifiers: ClinVar variation 3471476 (VCV003471476.1).
Genomic context (GRCh38, chr7:152,649,057, plus strand): 5'-CCTCCATTGACGCGGTCTATCCAGTAAAAAGCTGACAGGCTATCCAAAATCAAAAGGCAG[A>G]GAGATGGGTGACTACAAAACATACTTTCTAGTGAGTAAAGTGTAAGAAGTAAGTGGGTGC-3'
Protein context (NP_005422.1, residues 133-153): LESMFCSHPS[Leu143Pro]CLLILDSLSA